The following is an entry in ClinVar:

NM_213655.5(WNK1):c.3493G>A (p.Asp1165Asn)

Gene: WNK1 (WNK lysine deficient protein kinase 1; plus strand). Cytogenetic location: 12p13.33.
Variant type: single nucleotide variant.
Coding change: c.3493G>A on transcript NM_213655.5 (MANE Plus Clinical); coding-DNA position 3493, G replaced by A.
Protein change: p.Asp1165Asn; replaces aspartic acid 1165 with asparagine.
Molecular consequence: missense variant. On other transcripts: intron variant (2).
Genome position (GRCh38, 1-based): chr12:868,964, G>A. VCF-style: chr12-868964-G-A. GRCh37 (hg19) VCF-style: chr12-978130-G-A.
Other names: c.3238G>A, p.Asp1080Asn (NM_001184985.2); c.2140-2301G>A (NM_018979.4, NM_014823.3); short protein forms D1080N, D1165N.
Identifiers: ClinVar variation 3753833 (VCV003753833.2).

ClinVar aggregate classification (germline): Uncertain significance (1 of 4 stars; one submission).

Conditions:
Neuropathy, hereditary sensory and autonomic, type 2A (HSAN2A). Also called: ACROOSTEOLYSIS, GIACCAI TYPE; ACROOSTEOLYSIS, NEUROGENIC; MORVAN DISEASE; NEUROPATHY, CONGENITAL SENSORY; NEUROPATHY, HEREDITARY SENSORY RADICULAR, AUTOSOMAL RECESSIVE; NEUROPATHY, HEREDITARY SENSORY, TYPE IIA. Identifiers: Orphanet 970, MedGen C2752089, MONDO:0024309, OMIM 201300.
Pseudohypoaldosteronism type 2C (PHA2C). Also called: Pseudohypoaldosteronism Type IIC. Identifiers: Orphanet 757, Orphanet 88940, MedGen C1840391, MONDO:0013778, OMIM 614492.

Submission:

Labcorp Genetics (formerly Invitae), Labcorp
Classification: Uncertain significance for Neuropathy, hereditary sensory and autonomic, type 2A; Pseudohypoaldosteronism type 2C. Last evaluated: 2024-11-30. Review status: criteria provided, single submitter. Criteria: Invitae Variant Classification Sherloc (09022015). Collection method: clinical testing. Allele origin: germline.
Comment: This sequence change replaces aspartic acid, which is acidic and polar, with asparagine, which is neutral and polar, at codon 1165 of the WNK1 protein (p.Asp1165Asn). This variant is not present in population databases (gnomAD no frequency). This variant has not been reported in the literature in individuals affected with WNK1-related conditions. Invitae Evidence Modeling of protein sequence and biophysical properties (such as structural, functional, and spatial information, amino acid conservation, physicochemical variation, residue mobility, and thermodynamic stability) indicates that this missense variant is not expected to disrupt WNK1 protein function with a negative predictive value of 95%. In summary, the available evidence is currently insufficient to determine the role of this variant in disease. Therefore, it has been classified as a Variant of Uncertain Significance.